The following is an entry in ClinVar:

ClinVar aggregate classification (germline): Uncertain significance (1 of 4 stars; one submission).

Submission:

Women's Health and Genetics/Laboratory Corporation of America, LabCorp
Classification: Uncertain significance. Last evaluated: 2023-08-08. Review status: criteria provided, single submitter. Criteria: LabCorp Variant Classification Summary - May 2015. Collection method: clinical testing. Allele origin: germline.
Comment: Variant summary: MAPK8IP3 c.3074A>T (p.His1025Leu) results in a non-conservative amino acid change in the encoded protein sequence. Four of five in-silico tools predict a damaging effect of the variant on protein function. The variant was absent in 229262 control chromosomes (gnomAD). The available data on variant occurrences in the general population are insufficient to allow any conclusion about variant significance. To our knowledge, no occurrence of c.3074A>T in individuals affected with Neurodevelopmental Disorder With Or Without Variable Brain Abnormalities; NEDBA and no experimental evidence demonstrating its impact on protein function have been reported. No submitters have cited clinical-significance assessments for this variant to ClinVar after 2014. Based on the evidence outlined above, the variant was classified as uncertain significance.

NM_001318852.2(MAPK8IP3):c.3077A>T (p.His1026Leu)

Gene: MAPK8IP3 (mitogen-activated protein kinase 8 interacting protein 3; plus strand). Cytogenetic location: 16p13.3.
Variant type: single nucleotide variant.
Coding change: c.3077A>T on transcript NM_001318852.2 (MANE Select); coding-DNA position 3077, A replaced by T.
Protein change: p.His1026Leu; replaces histidine 1026 with leucine.
Molecular consequence: missense variant.
Genome position (GRCh38, 1-based): chr16:1,766,960, A>T. VCF-style: chr16-1766960-A-T. GRCh37 (hg19) VCF-style: chr16-1816961-A-T.
Other names: c.3056A>T, p.His1019Leu (NM_001040439.2); c.3074A>T, p.His1025Leu (NM_015133.5, NM_033392.3); short protein forms H1019L, H1025L, H1026L.
Identifiers: ClinVar variation 2581582 (VCV002581582.1), dbSNP rs2042305659, ClinGen allele CA394237160.